The following is an entry in ClinVar:

NM_017617.5(NOTCH1):c.6869G>T (p.Ser2290Ile)

Gene: NOTCH1 (notch receptor 1; minus strand). Cytogenetic location: 9q34.3.
Variant type: single nucleotide variant.
Coding change: c.6869G>T on transcript NM_017617.5 (MANE Select); coding-DNA position 6869, G replaced by T.
Protein change: p.Ser2290Ile; replaces serine 2290 with isoleucine.
Molecular consequence: missense variant.
Genome position (GRCh38, 1-based): chr9:136,496,870, C>A on the plus strand (G>T on the coding strand, the complement: NOTCH1 is on the minus strand). VCF-style: chr9-136496870-C-A. GRCh37 (hg19) VCF-style: chr9-139391322-C-A.
Other names: short protein forms S2290I.
Identifiers: ClinVar variation 1357810 (VCV001357810.8), dbSNP rs763183789, ClinGen allele CA375630020.
Genomic context (GRCh38, chr9:136,496,870, plus strand): 5'-CACTCGCATTGACCATTCAAACTGGTGGACCCGCCCACAGTGAAATTCAGGGCCCCTCCG[C>A]TGCTGGAGCCCAGGACGGTGCTGGTGCCAGAGGCCACAGGCAGGTGGGAGAGACGAGGTG-3'
Protein context (NP_060087.3, residues 2280-2300): SGTSTVLGSS[Ser2290Ile]GGALNFTVGG

ClinVar aggregate classification (germline): Uncertain significance (1 of 4 stars; one submission).

Conditions:
Adams-Oliver syndrome 5 (AOS5). Identifiers: Orphanet 974, MedGen C4014970, MONDO:0014459, OMIM 616028.

Submission:

Labcorp Genetics (formerly Invitae), Labcorp
Classification: Uncertain significance for Adams-Oliver syndrome 5. Last evaluated: 2021-07-03. Review status: criteria provided, single submitter. Criteria: Invitae Variant Classification Sherloc (09022015). Collection method: clinical testing. Allele origin: germline.
Comment: This sequence change replaces serine with isoleucine at codon 2290 of the NOTCH1 protein (p.Ser2290Ile). The serine residue is weakly conserved and there is a large physicochemical difference between serine and isoleucine. This variant is not present in population databases (ExAC no frequency). This variant has not been reported in the literature in individuals affected with NOTCH1-related conditions. Advanced modeling of protein sequence and biophysical properties (such as structural, functional, and spatial information, amino acid conservation, physicochemical variation, residue mobility, and thermodynamic stability) performed at Invitae indicates that this missense variant is not expected to disrupt NOTCH1 protein function. In summary, the available evidence is currently insufficient to determine the role of this variant in disease. Therefore, it has been classified as a Variant of Uncertain Significance.